The following is an entry in ClinVar:

NC_000001.11:g.(?_193122201)_(193152454_?)dup

Gene: CDC73 (cell division cycle 73; plus strand). Cytogenetic location: 1q31.2.
Variant type: Duplication.
Identifiers: ClinVar variation 830739 (VCV000830739.2).

ClinVar aggregate classification (germline): Uncertain significance (1 of 4 stars; one submission).

Conditions:
Parathyroid carcinoma (PRTC). Also called: Parathyroid gland carcinoma; CDC73-Related Parathyroid Carcinoma. Identifiers: Orphanet 143, MedGen C0687150, MONDO:0012004, OMIM 608266, HP:0006780.

Submission:

Labcorp Genetics (formerly Invitae), Labcorp
Classification: Uncertain significance for Parathyroid carcinoma. Last evaluated: 2021-09-23. Review status: criteria provided, single submitter. Criteria: Invitae Variant Classification Sherloc (09022015). Collection method: clinical testing. Allele origin: germline.
Comment: This variant results in a copy number gain of the genomic region encompassing exons 1 to 10 of the CDC73 gene. The 5' end of this event is unknown as it extends beyond the assayed region for this gene and therefore may encompass additional genes. The 3' boundary is likely confined to intron 10 of the CDC73 gene, which includes the initiator codon. As the precise location of this event is unknown, it may be in tandem or it may be located elsewhere in the genome. This variant has not been reported in the literature in individuals with CDC73-related conditions. Experimental studies and prediction algorithms are not available for this variant, and the functional significance of the affected amino acid(s) is currently unknown. In summary, the available evidence is currently insufficient to determine the role of this variant in disease. Therefore, it has been classified as a Variant of Uncertain Significance.